The following is an entry in ClinVar:

ClinVar aggregate classification (germline): Uncertain significance (1 of 4 stars; one submission).

Submission:

Labcorp Genetics (formerly Invitae), Labcorp
Classification: Uncertain significance. Last evaluated: 2023-07-07. Review status: criteria provided, single submitter. Criteria: Invitae Variant Classification Sherloc (09022015). Collection method: clinical testing. Allele origin: germline.
Comment: This sequence change replaces isoleucine, which is neutral and non-polar, with phenylalanine, which is neutral and non-polar, at codon 407 of the GALNT3 protein (p.Ile407Phe). This variant is not present in population databases (gnomAD no frequency). This variant has not been reported in the literature in individuals affected with GALNT3-related conditions. Advanced modeling of protein sequence and biophysical properties (such as structural, functional, and spatial information, amino acid conservation, physicochemical variation, residue mobility, and thermodynamic stability) performed at Invitae indicates that this missense variant is not expected to disrupt GALNT3 protein function. In summary, the available evidence is currently insufficient to determine the role of this variant in disease. Therefore, it has been classified as a Variant of Uncertain Significance.

NM_004482.4(GALNT3):c.1219A>T (p.Ile407Phe)

Gene: GALNT3 (polypeptide N-acetylgalactosaminyltransferase 3; minus strand). Cytogenetic location: 2q24.3.
Variant type: single nucleotide variant.
Coding change: c.1219A>T on transcript NM_004482.4 (MANE Select); coding-DNA position 1219, A replaced by T.
Protein change: p.Ile407Phe; replaces isoleucine 407 with phenylalanine.
Molecular consequence: missense variant.
Genome position (GRCh38, 1-based): chr2:165,757,220, T>A on the plus strand (A>T on the coding strand, the complement: GALNT3 is on the minus strand). VCF-style: chr2-165757220-T-A. GRCh37 (hg19) VCF-style: chr2-166613730-T-A.
Other names: short protein forms I407F.
Identifiers: ClinVar variation 2837764 (VCV002837764.3), dbSNP rs2467866994, ClinGen allele CA349035295.